The following is an entry in ClinVar:

ClinVar aggregate classification (germline): Conflicting classifications of pathogenicity. Review status: criteria provided, conflicting classifications (1 of 4 stars). 4 submissions from 4 submitters: Uncertain significance (1); Likely benign (3). Last evaluated 2025-09-10.

Conditions:
Inborn genetic diseases. Identifiers: MedGen C0950123, MeSH D030342.

Allele frequency attached by ClinVar (database versions not stated): gnomAD 0.00002; TOPMed 0.00003.
gnomAD v4.1: 24 of 1,606,902 alleles (0.0015%); highest among the groups gnomAD compares: Admixed American, 0.005%; no homozygotes.

Submissions (4):

Ambry Genetics
Classification: Likely benign for Inborn genetic diseases. Last evaluated: 2025-09-10. Review status: criteria provided, single submitter. Criteria: Ambry Variant Classification Scheme 2023. Collection method: clinical testing. Allele origin: germline.

Labcorp Genetics (formerly Invitae), Labcorp
Classification: Likely benign. Last evaluated: 2025-04-14. Review status: criteria provided, single submitter. Criteria: Invitae Variant Classification Sherloc (09022015). Collection method: clinical testing. Allele origin: germline.

CeGaT Center for Human Genetics Tuebingen
Classification: Likely benign. Last evaluated: 2024-08-01. Review status: criteria provided, single submitter. Criteria: CeGaT Center For Human Genetics Tuebingen Variant Classification Criteria Version 2. Collection method: clinical testing. Allele origin: germline. Affected: yes. Observed: 2 variant alleles.
Comment: KMT2B: BP4

GeneDx
Classification: Uncertain significance. Last evaluated: 2019-08-15. Review status: criteria provided, single submitter. Criteria: GeneDx Variant Classification Process June 2021. Collection method: clinical testing. Allele origin: germline. Affected: yes.
Comment: In silico analysis, which includes protein predictors and evolutionary conservation, supports a deleterious effect; Has not been previously published as pathogenic or benign to our knowledge

NM_014727.3(KMT2B):c.5711C>T (p.Pro1904Leu)

Gene: KMT2B (lysine methyltransferase 2B; plus strand). Cytogenetic location: 19q13.12.
Variant type: single nucleotide variant.
Coding change: c.5711C>T on transcript NM_014727.3 (MANE Select); coding-DNA position 5711, C replaced by T.
Protein change: p.Pro1904Leu; replaces proline 1904 with leucine.
Molecular consequence: missense variant.
Genome position (GRCh38, 1-based): chr19:35,732,260, C>T. VCF-style: chr19-35732260-C-T. GRCh37 (hg19) VCF-style: chr19-36223161-C-T.
Other names: c.5711C>T (NM_014727.1); short protein forms P1904L.
Identifiers: ClinVar variation 1307865 (VCV001307865.23), dbSNP rs777489488, ClinGen allele CA9385510.